The following is an entry in ClinVar:

ClinVar aggregate classification (germline): Uncertain significance. Review status: criteria provided, multiple submitters, no conflicts (2 of 4 stars). 2 submissions from 2 submitters: Uncertain significance (2). Last evaluated 2022-08-23.

Conditions:
Acromesomelic dysplasia 1, Maroteaux type (AMD1). Also called: ACROMESOMELIC DYSPLASIA 1; ST. HELENA DYSPLASIA. Identifiers: Orphanet 40, MedGen C1864356, MONDO:0011275, OMIM 602875.
Tall stature-scoliosis-macrodactyly of the great toes syndrome. Also called: Epiphyseal chondrodysplasia, miura type. Identifiers: Orphanet 329191, MedGen C4014690, MONDO:0014401, OMIM 615923.

Allele frequency attached by ClinVar (database versions not stated): gnomAD exomes below 0.00001.

Submissions (2):

Labcorp Genetics (formerly Invitae), Labcorp
Classification: Uncertain significance for Tall stature-scoliosis-macrodactyly of the great toes syndrome; Acromesomelic dysplasia 1, Maroteaux type. Last evaluated: 2022-08-23. Review status: criteria provided, single submitter. Criteria: Invitae Variant Classification Sherloc (09022015). Collection method: clinical testing. Allele origin: germline.
Comment: ClinVar contains an entry for this variant (Variation ID: 1004546). Algorithms developed to predict the effect of missense changes on protein structure and function (SIFT, PolyPhen-2, Align-GVGD) all suggest that this variant is likely to be disruptive. In summary, the available evidence is currently insufficient to determine the role of this variant in disease. Therefore, it has been classified as a Variant of Uncertain Significance. This missense change has been observed in individual(s) with autosomal recessive acromesomelic dysplasia (Invitae). In at least one individual the data is consistent with being in trans (on the opposite chromosome) from a pathogenic variant. This sequence change replaces tyrosine, which is neutral and polar, with cysteine, which is neutral and slightly polar, at codon 250 of the NPR2 protein (p.Tyr250Cys). This variant is present in population databases (no rsID available, gnomAD 0.003%).

GeneDx
Classification: Uncertain significance. Last evaluated: 2020-10-19. Review status: criteria provided, single submitter. Criteria: GeneDx Variant Classification Process June 2021. Collection method: clinical testing. Allele origin: germline. Affected: yes.
Comment: Not observed at a significant frequency in large population cohorts (Lek et al., 2016); In silico analysis supports that this missense variant has a deleterious effect on protein structure/function; Has not been previously published as pathogenic or benign to our knowledge

NM_003995.4(NPR2):c.749A>G (p.Tyr250Cys)

Gene: NPR2 (natriuretic peptide receptor 2; plus strand). Cytogenetic location: 9p13.3.
Variant type: single nucleotide variant.
Coding change: c.749A>G on transcript NM_003995.4 (MANE Select); coding-DNA position 749, A replaced by G.
Protein change: p.Tyr250Cys; replaces tyrosine 250 with cysteine.
Molecular consequence: missense variant.
Genome position (GRCh38, 1-based): chr9:35,793,979, A>G. VCF-style: chr9-35793979-A-G. GRCh37 (hg19) VCF-style: chr9-35793976-A-G.
Other names: c.749A>G, p.Tyr250Cys (NM_001378923.1); short protein forms Y250C.
Identifiers: ClinVar variation 1004546 (VCV001004546.10), dbSNP rs1243598210, ClinGen allele CA373367165.